The following is an entry in ClinVar:

NM_006096.4(NDRG1):c.389+82G>T

Gene: NDRG1 (N-myc downstream regulated 1; minus strand). Cytogenetic location: 8q24.22.
Variant type: single nucleotide variant.
Coding change: c.389+82G>T on transcript NM_006096.4 (MANE Select); 82 bases into the intron after coding-DNA position 389, G replaced by T.
Molecular consequence: intron variant.
Genome position (GRCh38, 1-based): chr8:133,259,086, C>A on the plus strand (G>T on the coding strand, the complement: NDRG1 is on the minus strand). VCF-style: chr8-133259086-C-A. GRCh37 (hg19) VCF-style: chr8-134271329-C-A.
Other names: c.191+82G>T (NM_001258432.2, NM_001374847.1); c.146+82G>T (NM_001258433.2); c.389+82G>T (NM_001374844.1, NM_001135242.2, NM_001374845.1 and 1 more transcripts).
Identifiers: ClinVar variation 672421 (VCV000672421.5), dbSNP rs2233329, ClinGen allele CA186380487.

ClinVar aggregate classification (germline): Likely benign. Review status: criteria provided, multiple submitters, no conflicts (2 of 4 stars). 3 submissions from 3 submitters: Likely benign (3). Last evaluated 2021-07-10.

Conditions:
Charcot-Marie-Tooth disease type 4D. Also called: CHARCOT-MARIE-TOOTH DISEASE, DEMYELINATING, AUTOSOMAL RECESSIVE, TYPE 4D; CHARCOT-MARIE-TOOTH DISEASE, DEMYELINATING, TYPE 4D; Charcot-Marie-Tooth Neuropathy Type 4D; NEUROPATHY, HEREDITARY MOTOR AND SENSORY, LOM TYPE. Identifiers: Orphanet 99950, MedGen C1832334, MONDO:0011085, OMIM 601455.

Allele frequency attached by ClinVar (database versions not stated): 1000 Genomes Project 30x 0.02498; 1000 Genomes Project 0.02516; gnomAD 0.03173 and 0.03251; TOPMed 0.03226.
gnomAD v4.1: 53,949 of 1,451,874 alleles (3.7%); highest among the groups gnomAD compares: Middle Eastern, 7.7%; 1,201 homozygotes.

Submissions (3):

Genome-Nilou Lab
Classification: Likely benign for Charcot-Marie-Tooth disease type 4D. Last evaluated: 2021-07-10. Review status: criteria provided, single submitter. Criteria: ACMG Guidelines, 2015. Collection method: clinical testing. Allele origin: germline. Affected: no.

GeneDx
Classification: Likely benign. Last evaluated: 2018-06-16. Review status: criteria provided, single submitter. Criteria: GeneDx Variant Classification (06012015). Collection method: clinical testing. Allele origin: germline. Affected: yes.
Comment: This variant is considered likely benign or benign based on one or more of the following criteria: it is a conservative change, it occurs at a poorly conserved position in the protein, it is predicted to be benign by multiple in silico algorithms, and/or has population frequency not consistent with disease.

Breakthrough Genomics
Classification: Likely benign. Review status: criteria provided, single submitter. Criteria: ACMG Guidelines, 2015. Collection method: not provided. Allele origin: germline. Inheritance: Autosomal recessive inheritance. Affected: yes.